The following is an entry in ClinVar:

ClinVar aggregate classification (germline): Conflicting classifications of pathogenicity. Review status: criteria provided, conflicting classifications (1 of 4 stars). 5 submissions from 5 submitters: Uncertain significance (3); Likely benign (2). Last evaluated 2026-08-10.

Conditions:
Cardiovascular phenotype. Identifiers: MedGen CN230736.
Hereditary cancer-predisposing syndrome. Also called: Hereditary Cancer Syndrome; Tumor predisposition; Hereditary neoplastic syndrome; Neoplastic Syndromes, Hereditary. Identifiers: Orphanet 140162, MedGen C0027672, MeSH D009386, MONDO:0015356.
Neurofibromatosis, type 1 (NF1). Also called: Peripheral type neurofibromatosis; Neurofibromatosis, type I; VON RECKLINGHAUSEN DISEASE; NEUROFIBROMATOSIS, TYPE I, SOMATIC. Identifiers: Orphanet 636, MedGen C0027831, MONDO:0018975, OMIM 162200. Disease mechanism: loss of function.
Neurofibromatosis, familial spinal (FSNF). Identifiers: Orphanet 636, MedGen C1834235, MONDO:0008078, OMIM 162210. Disease mechanism: loss of function.
Café-au-lait macules with pulmonary stenosis (WTSN). Also called: PULMONIC STENOSIS WITH CAFE-AU-LAIT SPOTS. Identifiers: MedGen C0553586, MONDO:0008672, OMIM 193520.
Neurofibromatosis-Noonan syndrome (NFNS). Also called: NEUROFIBROMATOSIS WITH NOONAN PHENOTYPE. Identifiers: Orphanet 638, MedGen C2931482, MONDO:0011035, OMIM 601321. Disease mechanism: loss of function.
Juvenile myelomonocytic leukemia (JMML). Also called: LEUKEMIA, JUVENILE MYELOMONOCYTIC, SOMATIC. Identifiers: Orphanet 86834, MedGen C0349639, MONDO:0011908, OMIM 607785, HP:0012209.

Allele frequency attached by ClinVar (database versions not stated): gnomAD exomes below 0.00001; gnomAD 0.00001; TOPMed 0.00001.
gnomAD v4.1: 2 of 1,613,760 alleles (0.00012%); highest among the groups gnomAD compares: African/African-American, 0.0027%; no homozygotes.

Submissions (5):

Ambry Genetics
Classification: Likely benign for Cardiovascular phenotype; Hereditary cancer-predisposing syndrome. Last evaluated: 2026-08-10. Review status: criteria provided, single submitter. Criteria: Ambry Variant Classification Scheme 2023. Collection method: clinical testing. Allele origin: germline.

Labcorp Genetics (formerly Invitae), Labcorp
Classification: Likely benign for Neurofibromatosis, type 1. Last evaluated: 2025-08-07. Review status: criteria provided, single submitter. Criteria: Invitae Variant Classification Sherloc (09022015). Collection method: clinical testing. Allele origin: germline.

GeneDx
Classification: Uncertain significance. Last evaluated: 2024-03-26. Review status: criteria provided, single submitter. Criteria: GeneDx Variant Classification Process June 2021. Collection method: clinical testing. Allele origin: germline. Affected: yes.
Comment: In silico analysis supports that this missense variant does not alter protein structure/function; Has not been previously published as pathogenic or benign to our knowledge; This variant is associated with the following publications: (PMID: 25486365)

Fulgent Genetics
Classification: Uncertain significance for Neurofibromatosis, type 1; Neurofibromatosis, familial spinal; Café-au-lait macules with pulmonary stenosis; Neurofibromatosis-Noonan syndrome; Juvenile myelomonocytic leukemia. Last evaluated: 2022-05-05. Review status: criteria provided, single submitter. Criteria: ACMG Guidelines, 2015. Collection method: clinical testing. Allele origin: unknown.

Genome-Nilou Lab
Classification: Uncertain significance for Neurofibromatosis, type 1. Last evaluated: 2022-03-15. Review status: criteria provided, single submitter. Criteria: ACMG Guidelines, 2015. Collection method: clinical testing. Allele origin: germline. Affected: no.

NM_001042492.3(NF1):c.7889C>G (p.Thr2630Ser)

Gene: NF1 (neurofibromin 1; plus strand). Cytogenetic location: 17q11.2.
Variant type: single nucleotide variant.
Coding change: c.7889C>G on transcript NM_001042492.3 (MANE Select); coding-DNA position 7889, C replaced by G.
Protein change: p.Thr2630Ser; replaces threonine 2630 with serine.
Molecular consequence: missense variant.
Genome position (GRCh38, 1-based): chr17:31,357,288, C>G. VCF-style: chr17-31357288-C-G. GRCh37 (hg19) VCF-style: chr17-29684306-C-G.
Other names: c.7826C>G, p.Thr2609Ser (NM_000267.4); short protein forms T2630S, T2609S.
Identifiers: ClinVar variation 527488 (VCV000527488.18), dbSNP rs1283946778, ClinGen allele CA399203394.